The following is an entry in ClinVar:

NM_001351132.2(PEX5):c.155A>G (p.Lys52Arg)

Gene: PEX5 (peroxisomal biogenesis factor 5; plus strand). Cytogenetic location: 12p13.31.
Variant type: single nucleotide variant.
Coding change: c.155A>G on transcript NM_001351132.2 (MANE Select); coding-DNA position 155, A replaced by G.
Protein change: p.Lys52Arg; replaces lysine 52 with arginine.
Molecular consequence: missense variant.
Genome position (GRCh38, 1-based): chr12:7,190,895, A>G. VCF-style: chr12-7190895-A-G. GRCh37 (hg19) VCF-style: chr12-7343491-A-G.
Other names: c.155A>G, p.Lys52Arg (NM_000319.5, NM_001131024.2, NM_001131025.2 and 19 more transcripts); c.200A>G, p.Lys67Arg (NM_001131023.2, NM_001351135.3, NM_001351138.2); short protein forms K67R, K52R.
Identifiers: ClinVar variation 855999 (VCV000855999.6), dbSNP rs764700965, ClinGen allele CA6426036.

ClinVar aggregate classification (germline): Uncertain significance (1 of 4 stars; one submission).

Conditions:
Peroxisome biogenesis disorder 2B (PBD2B). Identifiers: Orphanet 44, MedGen C3550234, MONDO:0008736, OMIM 202370.

Allele frequency attached by ClinVar (database versions not stated): ExAC 0.00002; gnomAD exomes 0.00002.
gnomAD v4.1: 23 of 1,613,594 alleles (0.0014%); highest among the groups gnomAD compares: Non-Finnish European, 0.0019%; no homozygotes.

Submissions (2):

Labcorp Genetics (formerly Invitae), Labcorp
Classification: Uncertain significance for Peroxisome biogenesis disorder 2B. Last evaluated: 2022-05-03. Review status: criteria provided, single submitter. Criteria: Invitae Variant Classification Sherloc (09022015). Collection method: clinical testing. Allele origin: germline.
Comment: This sequence change replaces lysine, which is basic and polar, with arginine, which is basic and polar, at codon 52 of the PEX5 protein (p.Lys52Arg). This variant is present in population databases (rs764700965, gnomAD 0.002%). This variant has not been reported in the literature in individuals affected with PEX5-related conditions. ClinVar contains an entry for this variant (Variation ID: 855999). Algorithms developed to predict the effect of missense changes on protein structure and function are either unavailable or do not agree on the potential impact of this missense change (SIFT: "Deleterious"; PolyPhen-2: "Benign"; Align-GVGD: "Class C0"). Algorithms developed to predict the effect of sequence changes on RNA splicing suggest that this variant may create or strengthen a splice site. In summary, the available evidence is currently insufficient to determine the role of this variant in disease. Therefore, it has been classified as a Variant of Uncertain Significance.

Dr. Peter K. Rogan Lab, Western University
No classification provided (evidence only). Condition: Gastric cancer. Review status: no classification provided. Collection method: in vitro. Allele origin: not applicable. Functional consequence: retained intron. Not counted in ClinVar's aggregate classification.